The following is an entry in ClinVar:

ClinVar aggregate classification (germline): Conflicting classifications of pathogenicity. Review status: criteria provided, conflicting classifications (1 of 4 stars). 9 submissions from 9 submitters: Uncertain significance (8); Likely benign (1). Last evaluated 2026-02-06.

Conditions:
Mitochondrial complex I deficiency, nuclear type 1. Also called: NADH-COENZYME Q REDUCTASE DEFICIENCY; MITOCHONDRIAL NADH DEHYDROGENASE COMPONENT OF COMPLEX I, DEFICIENCY OF. Identifiers: MedGen C6022305, MONDO:0100224, OMIM 252010.
Mitochondrial complex I deficiency, nuclear type 6. Also called: Mitochondrial complex 1 deficiency, nuclear type 6. Identifiers: MedGen C4748759, MONDO:0032611, OMIM 618228.
Inborn genetic diseases. Identifiers: MedGen C0950123, MeSH D030342.

Allele frequency attached by ClinVar (database versions not stated): 1000 Genomes Project 30x 0.00016; 1000 Genomes Project 0.00020; gnomAD exomes 0.00042; TOPMed 0.00051; gnomAD 0.00054 and 0.00055; ExAC 0.00064; ESP Exome Variant Server 0.00123.
gnomAD v4.1: 1,395 of 1,610,224 alleles (0.087%); highest among the groups gnomAD compares: Non-Finnish European, 0.11%; 4 homozygotes.

Submissions (9):

GeneDx
Classification: Uncertain significance. Last evaluated: 2026-02-06. Review status: criteria provided, single submitter. Criteria: GeneDx Variant Classification Process June 2021. Collection method: clinical testing. Allele origin: germline. Affected: yes.
Comment: Identified in the single heterozygous state without a second NDUFS2 variant in an individual with a FARSB-related disorder in the published literature, and suggested to be unrelated to the individual's phenotype (PMID: 29573043); In silico analysis supports that this missense variant has a deleterious effect on protein structure/function; This variant is associated with the following publications: (PMID: 29573043)

Labcorp Genetics (formerly Invitae), Labcorp
Classification: Uncertain significance. Last evaluated: 2024-10-21. Review status: criteria provided, single submitter. Criteria: Invitae Variant Classification Sherloc (09022015). Collection method: clinical testing. Allele origin: germline.
Comment: This sequence change replaces histidine, which is basic and polar, with aspartic acid, which is acidic and polar, at codon 380 of the NDUFS2 protein (p.His380Asp). This variant is present in population databases (rs144411579, gnomAD 0.09%), and has an allele count higher than expected for a pathogenic variant. This variant has not been reported in the literature in individuals affected with NDUFS2-related conditions. ClinVar contains an entry for this variant (Variation ID: 214795). An algorithm developed to predict the effect of missense changes on protein structure and function (PolyPhen-2) suggests that this variant is likely to be disruptive. In summary, the available evidence is currently insufficient to determine the role of this variant in disease. Therefore, it has been classified as a Variant of Uncertain Significance.

Mayo Clinic Laboratories, Mayo Clinic
Classification: Uncertain significance. Last evaluated: 2023-09-27. Review status: criteria provided, single submitter. Criteria: ACMG Guidelines, 2015. Collection method: clinical testing. Allele origin: germline. Observed: 1 variant allele.
Comment: PP3

CeGaT Center for Human Genetics Tuebingen
Classification: Likely benign. Last evaluated: 2022-12-01. Review status: criteria provided, single submitter. Criteria: CeGaT Center For Human Genetics Tuebingen Variant Classification Criteria Version 2. Collection method: clinical testing. Allele origin: germline. Affected: yes. Observed: 4 variant alleles.
Comment: NDUFS2: PP3, BS1

MGZ Medical Genetics Center
Classification: Uncertain significance for Mitochondrial complex I deficiency, nuclear type 6. Last evaluated: 2022-08-08. Review status: criteria provided, single submitter. Criteria: ACMG Guidelines, 2015. Collection method: clinical testing. Allele origin: germline. Affected: yes. Observed: 1 variant allele.
Comment: ACMG criteria applied: PM2_SUP, PP3

Ambry Genetics
Classification: Uncertain significance for Inborn genetic diseases. Last evaluated: 2021-08-04. Review status: criteria provided, single submitter. Criteria: Ambry Variant Classification Scheme 2023. Collection method: clinical testing. Allele origin: germline.

ARUP Laboratories, Molecular Genetics and Genomics, ARUP Laboratories
Classification: Uncertain significance for Mitochondrial complex I deficiency, nuclear type 6. Last evaluated: 2019-02-21. Review status: criteria provided, single submitter. Criteria: ARUP Molecular Germline Variant Investigation Process. Collection method: clinical testing. Allele origin: germline.
Comment: The NDUFS2 c.1138C>G; p.His380Asp variant (rs144411579), is reported in the literature in a large sequencing study (Bastarache 2018), but has not been reported to be associated with disease. This variant is reported as uncertain significance by multiple laboratories in ClinVar (Variation ID: 214795), and is found in the non-Finnish European population with an overall allele frequency of 0.09% (108/123,964 alleles) in the Genome Aggregation Database. The histidine at codon 380 is highly conserved, and computational analyses (SIFT, PolyPhen-2) predict that this variant is deleterious. Due to limited information, the clinical significance of the p.His380Asp variant is uncertain at this time. References: Bastarache L et al. Phenotype risk scores identify patients with unrecognized Mendelian disease patterns. Science. 2018 Mar 16;359(6381):1233-1239.

Illumina Laboratory Services, Illumina
Classification: Uncertain significance for Mitochondrial complex I deficiency, nuclear type 1. Last evaluated: 2018-01-13. Review status: criteria provided, single submitter. Criteria: ICSL Variant Classification Criteria 13 December 2019. Collection method: clinical testing. Allele origin: germline.

Eurofins Ntd Llc (ga)
Classification: Uncertain significance. Last evaluated: 2016-02-16. Review status: criteria provided, single submitter. Criteria: EGL Classification Definitions 2015. Collection method: clinical testing. Allele origin: germline. Observed: 1 variant allele, 1 heterozygote.

Literature cited by the submitters: PubMed 29573043 (cited by Mayo Clinic Laboratories, Mayo Clinic).

NM_001377299.1(NDUFS2):c.1138C>G (p.His380Asp)

Gene: NDUFS2 (NADH:ubiquinone oxidoreductase core subunit S2; plus strand). Cytogenetic location: 1q23.3.
Variant type: single nucleotide variant.
Coding change: c.1138C>G on transcript NM_001377299.1 (MANE Select); coding-DNA position 1138, C replaced by G.
Protein change: p.His380Asp; replaces histidine 380 with aspartic acid.
Molecular consequence: missense variant. On other transcripts: non-coding transcript variant (1).
Genome position (GRCh38, 1-based): chr1:161,213,401, C>G. VCF-style: chr1-161213401-C-G. GRCh37 (hg19) VCF-style: chr1-161183191-C-G.
Other names: p.H380D:CAT>GAT; p.His380Asp; c.1138C>G, p.His380Asp (NM_001166159.2, NM_001377298.1, NM_001377300.1 and 3 more transcripts); short protein forms H380D.
Identifiers: ClinVar variation 214795 (VCV000214795.68), dbSNP rs144411579, ClinGen allele CA321716.